The following is an entry in ClinVar:

NM_004727.3(SLC24A1):c.1758C>G (p.Ser586Arg)

Gene: SLC24A1 (solute carrier family 24 member 1; plus strand). Cytogenetic location: 15q22.31.
Variant type: single nucleotide variant.
Coding change: c.1758C>G on transcript NM_004727.3 (MANE Select); coding-DNA position 1758, C replaced by G.
Protein change: p.Ser586Arg; replaces serine 586 with arginine.
Molecular consequence: missense variant.
Genome position (GRCh38, 1-based): chr15:65,625,838, C>G. VCF-style: chr15-65625838-C-G. GRCh37 (hg19) VCF-style: chr15-65918176-C-G.
Other names: c.1758C>G, p.Ser586Arg (NM_001301031.1, NM_001301032.1, NM_001301033.2 and 1 more transcripts); short protein forms S586R.
Identifiers: ClinVar variation 1961916 (VCV001961916.5), dbSNP rs1305481562, ClinGen allele CA392918539.
Genomic context (GRCh38, chr15:65,625,838, plus strand): 5'-CCTTGACCTGATAATGCTCATCCTCTTCTTCCTGGACAGCCTCATTGCCTGGTGGGAGAG[C>G]CTGCTGCTGCTGCTGGCCTATGCCTTCTATGTGTTCACCATGAAGTGGAACAAGCATATC-3'
Protein context (NP_004718.1, residues 576-596): FLDSLIAWWE[Ser586Arg]LLLLLAYAFY

ClinVar aggregate classification (germline): Uncertain significance (1 of 4 stars; one submission).

gnomAD v4.1: 18 of 1,613,402 alleles (0.0011%); highest among the groups gnomAD compares: Non-Finnish European, 0.0014%; no homozygotes.

Submission:

Labcorp Genetics (formerly Invitae), Labcorp
Classification: Uncertain significance. Last evaluated: 2024-12-16. Review status: criteria provided, single submitter. Criteria: Invitae Variant Classification Sherloc (09022015). Collection method: clinical testing. Allele origin: germline.
Comment: This sequence change replaces serine, which is neutral and polar, with arginine, which is basic and polar, at codon 586 of the SLC24A1 protein (p.Ser586Arg). This variant is present in population databases (no rsID available, gnomAD 0.0009%). This variant has not been reported in the literature in individuals affected with SLC24A1-related conditions. ClinVar contains an entry for this variant (Variation ID: 1961916). An algorithm developed to predict the effect of missense changes on protein structure and function (PolyPhen-2) suggests that this variant is likely to be disruptive. In summary, the available evidence is currently insufficient to determine the role of this variant in disease. Therefore, it has been classified as a Variant of Uncertain Significance.